The following is an entry in ClinVar:

ClinVar aggregate classification (germline): Uncertain significance (1 of 4 stars; one submission).

gnomAD v4.1: 27 of 1,024,840 alleles (0.0026%); highest among the groups gnomAD compares: Non-Finnish European, 0.0036%; no homozygotes.

Submission:

Labcorp Genetics (formerly Invitae), Labcorp
Classification: Uncertain significance. Last evaluated: 2025-06-20. Review status: criteria provided, single submitter. Criteria: Invitae Variant Classification Sherloc (09022015). Collection method: clinical testing. Allele origin: germline.
Comment: This sequence change replaces serine, which is neutral and polar, with threonine, which is neutral and polar, at codon 422 of the NFIA protein (p.Ser422Thr). This variant is present in population databases (rs757101415, gnomAD 0.007%). This variant has not been reported in the literature in individuals affected with NFIA-related conditions. An algorithm developed to predict the effect of missense changes on protein structure and function (PolyPhen-2) suggests that this variant is likely to be disruptive. In summary, the available evidence is currently insufficient to determine the role of this variant in disease. Therefore, it has been classified as a Variant of Uncertain Significance.

NM_001134673.4(NFIA):c.1265G>C (p.Ser422Thr)

Gene: NFIA (nuclear factor I A; plus strand). Cytogenetic location: 1p31.3.
Variant type: single nucleotide variant.
Coding change: c.1265G>C on transcript NM_001134673.4 (MANE Select); coding-DNA position 1265, G replaced by C.
Protein change: p.Ser422Thr; replaces serine 422 with threonine.
Molecular consequence: missense variant.
Genome position (GRCh38, 1-based): chr1:61,406,572, G>C. VCF-style: chr1-61406572-G-C. GRCh37 (hg19) VCF-style: chr1-61872244-G-C.
Other names: c.1241G>C, p.Ser414Thr (NM_001145511.2); c.1400G>C, p.Ser467Thr (NM_001145512.2); c.1265G>C, p.Ser422Thr (NM_005595.5); short protein forms S414T, S422T, S467T.
Identifiers: ClinVar variation 4690689 (VCV004690689.1).